The following is an entry in ClinVar:

ClinVar aggregate classification (germline): Uncertain significance (0 of 4 stars; one submission).

Conditions:
MATR3-related disorder. Also called: MATR3-related condition.

Submission:

PreventionGenetics, part of Exact Sciences
Classification: Uncertain significance for MATR3-related condition. Last evaluated: 2024-04-17. Review status: no assertion criteria provided. Collection method: clinical testing. Allele origin: germline.
Comment: The MATR3 c.2147A>G variant is predicted to result in the amino acid substitution p.Lys716Arg. To our knowledge, this variant has not been reported in the literature or in a large population database, indicating this variant is rare. At this time, the clinical significance of this variant is uncertain due to the absence of conclusive functional and genetic evidence.

NM_018834.6(MATR3):c.2147A>G (p.Lys716Arg)

Genes: MATR3 (matrin 3; plus strand), LOC126807526 (CDK7 strongly-dependent group 2 enhancer GRCh37_chr5:138657767-138658966; plus strand). Cytogenetic location: 5q31.2.
Variant type: single nucleotide variant.
Coding change: c.2147A>G on transcript NM_018834.6 (MANE Select); coding-DNA position 2147, A replaced by G.
Protein change: p.Lys716Arg; replaces lysine 716 with arginine.
Molecular consequence: missense variant.
Genome position (GRCh38, 1-based): chr5:139,322,966, A>G. VCF-style: chr5-139322966-A-G. GRCh37 (hg19) VCF-style: chr5-138658655-A-G.
Other names: c.2147A>G, p.Lys716Arg (NM_001194954.2, NM_001194955.2, NM_001400441.1 and 16 more transcripts); c.1283A>G, p.Lys428Arg (NM_001194956.2); c.1133A>G, p.Lys378Arg (NM_001282278.2, NM_001400460.1, NM_001400462.1 and 5 more transcripts); c.1286A>G, p.Lys429Arg (NM_001400459.1); c.1247A>G, p.Lys416Arg (NM_001400461.1); short protein forms K378R, K416R, K428R, K429R, K716R.
Identifiers: ClinVar variation 3346289 (VCV003346289.1).